The following is an entry in ClinVar:

ClinVar aggregate classification (germline): Uncertain significance (1 of 4 stars; one submission).

Submission:

Women's Health and Genetics/Laboratory Corporation of America, LabCorp
Classification: Uncertain significance. Last evaluated: 2025-03-06. Review status: criteria provided, single submitter. Criteria: LabCorp Variant Classification Summary - May 2015. Collection method: clinical testing. Allele origin: germline.
Comment: Variant summary: HS6ST2 c.980+4dupA alters a conserved nucleotide located close to a canonical splice site and therefore could affect mRNA splicing, leading to a significantly altered protein sequence. Several computational tools predict a significant impact on normal splicing: One predict the variant abolishes a 5' splicing donor site. Two predict the variant weakens a 5' donor site. One predict the variant no significant impact on splicing. However, these predictions have yet to be confirmed by functional studies. The variant was absent in 134210 control chromosomes. The available data on variant occurrences in the general population are insufficient to allow any conclusion about variant significance. To our knowledge, no occurrence of c.980+4dupA in individuals affected with Paganini-Miozzo Syndrome and no experimental evidence demonstrating its impact on protein function have been reported. No submitters have cited clinical-significance assessments for this variant to ClinVar. Based on the evidence outlined above, the variant was classified as uncertain significance.

NM_001394073.1(HS6ST2):c.980+4dup

Gene: HS6ST2 (heparan sulfate 6-O-sulfotransferase 2; minus strand). Cytogenetic location: Xq26.2.
Variant type: Duplication.
Coding change: c.980+4dup on transcript NM_001394073.1 (MANE Select); 4 bases into the intron after coding-DNA position 980, one base duplicated (A; older notation c.980+4dupA).
Molecular consequence: intron variant.
Genome position (GRCh38, 1-based): chrX:132,708,458, T duplicated on the plus strand (A on the coding strand, the reverse complement: HS6ST2 is on the minus strand); the first of 2 consecutive T bases (chrX:132,708,458-132,708,459); duplicating either gives the same sequence. VCF-style (leftmost placement, unchanged base first): chrX-132708457-C-CT. GRCh37 (hg19) VCF-style: chrX-131842485-C-CT.
Other names: c.948-79365dup (NM_147175.4, NM_001394074.1); c.980+4dup (NM_001077188.2); c.980+4dupA (NM_001077188.2).
Identifiers: ClinVar variation 3895812 (VCV003895812.1).